The following is an entry in ClinVar:

ClinVar aggregate classification (germline): Uncertain significance (1 of 4 stars; one submission).

Conditions:
Hereditary pancreatitis (PCTT). Also called: Hereditary chronic pancreatitis; PRSS1-Related Hereditary Pancreatitis. Identifiers: Orphanet 676, MedGen C0238339, MONDO:0008185, OMIM 167800.

Allele frequency attached by ClinVar (database versions not stated): gnomAD exomes below 0.00001; gnomAD 0.00001; TOPMed 0.00001.

Submission:

Ambry Genetics
Classification: Uncertain significance for Hereditary pancreatitis. Last evaluated: 2024-08-02. Review status: criteria provided, single submitter. Criteria: Ambry Variant Classification Scheme 2023. Collection method: clinical testing. Allele origin: germline.
Comment: The p.S142P variant (also known as c.424T>C), located in coding exon 3 of the PRSS1 gene, results from a T to C substitution at nucleotide position 424. The serine at codon 142 is replaced by proline, an amino acid with similar properties. This amino acid position is conserved. In addition, this alteration is predicted to be deleterious by in silico analysis. Since supporting evidence is limited at this time, the clinical significance of this alteration remains unclear.

NM_002769.5(PRSS1):c.424T>C (p.Ser142Pro)

Genes: PRSS1 (serine protease 1; plus strand), TRB (T cell receptor beta locus; plus strand). Cytogenetic location: 7q34.
Variant type: single nucleotide variant.
Coding change: c.424T>C on transcript NM_002769.5 (MANE Select); coding-DNA position 424, T replaced by C.
Protein change: p.Ser142Pro; replaces serine 142 with proline.
Molecular consequence: missense variant. On other transcripts: non-coding transcript variant (5).
Genome position (GRCh38, 1-based): chr7:142,751,997, T>C. VCF-style: chr7-142751997-T-C. GRCh37 (hg19) VCF-style: chr7-142459848-T-C.
Other names: short protein forms S142P.
Identifiers: ClinVar variation 1739082 (VCV001739082.3), dbSNP rs1164996242, ClinGen allele CA369609163.